The following is an entry in ClinVar:

ClinVar aggregate classification (germline): Uncertain significance. Review status: criteria provided, multiple submitters, no conflicts (2 of 4 stars). 4 submissions from 4 submitters: Uncertain significance (4). Last evaluated 2025-10-02.

Conditions:
Cardiovascular phenotype. Identifiers: MedGen CN230736.
Cardiomyopathy (CMYO). Also called: Cardiomyopathies. Identifiers: Orphanet 167848, MedGen C0878544, MONDO:0004994, HP:0001638. Inheritance: Various modes of inheritance.
Hypertrophic cardiomyopathy. Also called: HYPERTROPHIC MYOCARDIOPATHY. Identifiers: Orphanet 217569, MedGen C0007194, MeSH D002312, MONDO:0005045, HP:0001639.

Submissions (4):

Labcorp Genetics (formerly Invitae), Labcorp
Classification: Uncertain significance for Hypertrophic cardiomyopathy. Last evaluated: 2025-10-02. Review status: criteria provided, single submitter. Criteria: Invitae Variant Classification Sherloc (09022015). Collection method: clinical testing. Allele origin: germline.
Comment: This sequence change replaces valine, which is neutral and non-polar, with alanine, which is neutral and non-polar, at codon 1875 of the MYH7 protein (p.Val1875Ala). This variant is not present in population databases (gnomAD no frequency). This variant has not been reported in the literature in individuals affected with MYH7-related conditions. ClinVar contains an entry for this variant (Variation ID: 263507). Invitae Evidence Modeling of protein sequence and biophysical properties (such as structural, functional, and spatial information, amino acid conservation, physicochemical variation, residue mobility, and thermodynamic stability) indicates that this missense variant is expected to disrupt MYH7 protein function with a positive predictive value of 95%. In summary, the available evidence is currently insufficient to determine the role of this variant in disease. Therefore, it has been classified as a Variant of Uncertain Significance.

Blueprint Genetics
Classification: Uncertain significance. Last evaluated: 2024-11-06. Review status: criteria provided, single submitter. Criteria: ACMG Guidelines, 2015. Collection method: clinical testing. Allele origin: germline.

All of Us Research Program, National Institutes of Health
Classification: Uncertain significance for Cardiomyopathy. Last evaluated: 2023-12-01. Review status: criteria provided, single submitter. Criteria: ACMG Guidelines, 2015. Collection method: clinical testing. Allele origin: germline. Inheritance: Autosomal dominant inheritance. Observed: 1 variant allele, 1 heterozygote.
Comment: This study involves interpretation of variants in research participants for the purpose of population health screening. Participant phenotype was not available at the time of variant classification. Additional details can be found in publication PMID: 35346344, PMCID: PMC8962531

Ambry Genetics
Classification: Uncertain significance for Cardiovascular phenotype. Last evaluated: 2013-02-14. Review status: criteria provided, single submitter. Criteria: Ambry Autosomal Dominant and X-Linked criteria (10/2015). Collection method: clinical testing. Allele origin: germline. Observed: 1 variant allele.
Comment: There is insufficient or conflicting evidence for classification of this alteration.

NM_000257.4(MYH7):c.5624T>C (p.Val1875Ala)

Gene: MYH7 (myosin heavy chain 7; minus strand). Cytogenetic location: 14q11.2.
Variant type: single nucleotide variant.
Coding change: c.5624T>C on transcript NM_000257.4 (MANE Select); coding-DNA position 5624, T replaced by C.
Protein change: p.Val1875Ala; replaces valine 1875 with alanine.
Molecular consequence: missense variant.
Genome position (GRCh38, 1-based): chr14:23,414,038, A>G on the plus strand (T>C on the coding strand, the complement: MYH7 is on the minus strand). VCF-style: chr14-23414038-A-G. GRCh37 (hg19) VCF-style: chr14-23883247-A-G.
Other names: c.5624T>C (LRG_384t1); short protein forms V1875A.
Identifiers: ClinVar variation 263507 (VCV000263507.9), dbSNP rs886038830, ClinGen allele CA10587764.